The following is an entry in ClinVar:

NM_024741.3(ZNF408):c.2091C>A (p.Ser697Arg)

Gene: ZNF408 (zinc finger protein 408; plus strand). Cytogenetic location: 11p11.2.
Variant type: single nucleotide variant.
Coding change: c.2091C>A on transcript NM_024741.3 (MANE Select); coding-DNA position 2091, C replaced by A.
Protein change: p.Ser697Arg; replaces serine 697 with arginine.
Molecular consequence: missense variant.
Genome position (GRCh38, 1-based): chr11:46,705,791, C>A. VCF-style: chr11-46705791-C-A. GRCh37 (hg19) VCF-style: chr11-46727341-C-A.
Other names: c.2067C>A, p.Ser689Arg (NM_001184751.2); short protein forms S689R, S697R.
Identifiers: ClinVar variation 1404544 (VCV001404544.8), dbSNP rs149392070, ClinGen allele CA5966713.

ClinVar aggregate classification (germline): Uncertain significance (1 of 4 stars; one submission).

Allele frequency attached by ClinVar (database versions not stated): gnomAD exomes 0.00001; ExAC 0.00002; gnomAD 0.00002; TOPMed 0.00002.

Submission:

Labcorp Genetics (formerly Invitae), Labcorp
Classification: Uncertain significance. Last evaluated: 2022-08-30. Review status: criteria provided, single submitter. Criteria: Invitae Variant Classification Sherloc (09022015). Collection method: clinical testing. Allele origin: germline.
Comment: In summary, the available evidence is currently insufficient to determine the role of this variant in disease. Therefore, it has been classified as a Variant of Uncertain Significance. Algorithms developed to predict the effect of missense changes on protein structure and function are either unavailable or do not agree on the potential impact of this missense change (SIFT: "Deleterious"; PolyPhen-2: "Benign"; Align-GVGD: "Class C0"). ClinVar contains an entry for this variant (Variation ID: 1404544). This variant has not been reported in the literature in individuals affected with ZNF408-related conditions. The frequency data for this variant in the population databases is considered unreliable, as metrics indicate poor data quality at this position in the gnomAD database. This sequence change replaces serine, which is neutral and polar, with arginine, which is basic and polar, at codon 697 of the ZNF408 protein (p.Ser697Arg).